The following is an entry in ClinVar:

NM_015922.3(NSDHL):c.415-6T>C

Gene: NSDHL (NAD(P) dependent 3-beta-hydroxysteroid dehydrogenase NSDHL; plus strand). Cytogenetic location: Xq28.
Variant type: single nucleotide variant.
Coding change: c.415-6T>C on transcript NM_015922.3 (MANE Select); 6 bases into the intron before coding-DNA position 415, T replaced by C.
Molecular consequence: intron variant.
Genome position (GRCh38, 1-based): chrX:152,862,590, T>C. VCF-style: chrX-152862590-T-C. GRCh37 (hg19) VCF-style: chrX-152031134-T-C.
Other names: c.415-6T>C (NM_001441099.1, NM_001129765.2).
Identifiers: ClinVar variation 4882441 (VCV004882441.2).
Genomic context (GRCh38, chrX:152,862,590, plus strand): 5'-AGGATCATGCACTGTTTGAATTGTGATAATTTGTGACTTTTATTTTTTCTGACCTTCCTC[T>C]GTCAGAAACTCATTTTAACCAGCAGTGCCAGTGTCATCTTTGAGGGCGTCGATATCAAGA-3'

ClinVar aggregate classification (germline): Uncertain significance (1 of 4 stars; one submission).

Submission:

Dasa
Classification: Uncertain significance. Last evaluated: 2025-08-12. Review status: criteria provided, single submitter. Criteria: DASA Assertion Criteria. Collection method: clinical testing. Allele origin: germline.
Comment: NM_015922.3(NSDHL):c.415-6T>C is a splice-region variant. This variant is absent from population databases. Computational prediction algorithms are consistent with a benign effect. The currently available literature and clinical evidence are not sufficient to establish a definitive association between this variant and the reported condition. Therefore, this variant is classified as a variant of uncertain significance.